The following is an entry in ClinVar:

ClinVar aggregate classification (germline): Pathogenic/Likely pathogenic. Review status: criteria provided, multiple submitters, no conflicts (2 of 4 stars). 7 submissions from 7 submitters: Pathogenic (5); Likely pathogenic (1). 1 of the submissions does not count toward it. Last evaluated 2025-07-02.

Conditions:
Abnormality of metabolism/homeostasis. Identifiers: MedGen C4021768, HP:0001939.
Spongy degeneration of central nervous system. Also called: ACY2 DEFICIENCY; AMINOACYLASE 2 DEFICIENCY; ASP DEFICIENCY; ASPA DEFICIENCY; ASPARTOACYLASE DEFICIENCY; CANAVAN-VAN BOGAERT-BERTRAND DISEASE. Identifiers: Orphanet 141, MedGen C0206307, MONDO:0010079, OMIM 271900.

Submissions (7):

Natera, Inc.
Classification: Pathogenic for Canavan Disease. Last evaluated: 2025-07-02. Review status: criteria provided, single submitter. Criteria: Natera Variant Classification Schema (03/2026). Collection method: clinical testing. Allele origin: germline.
Comment: The c.437_449del variant in ASPA is a frameshift variant predicted to shift the reading frame beginning at codon 146 and leads to a stop codon 7 codons downstream. This variant is expected to result in nonsense mediated decay, truncation, or a dysfunctional protein product. This variant is rare in the general population with a frequency below the threshold expected for the associated phenotype(s). This variant has been observed in one or more individuals affected with the associated recessive disease, as either homozygous or compound heterozygous with a second variant (PMID: 33547378). Given the available evidence, this variant is classified as Pathogenic.

Revvity Omics, Revvity
Classification: Pathogenic for Spongy degeneration of central nervous system. Last evaluated: 2025-05-29. Review status: criteria provided, single submitter. Criteria: ACMG Guidelines, 2015. Collection method: clinical testing. Allele origin: germline.

Genome-Nilou Lab
Classification: Pathogenic for Spongy degeneration of central nervous system. Last evaluated: 2021-11-07. Review status: criteria provided, single submitter. Criteria: ACMG Guidelines, 2015. Collection method: clinical testing. Allele origin: germline. Affected: no.

Kariminejad - Najmabadi Pathology & Genetics Center
Classification: Likely pathogenic for Abnormality of metabolism/homeostasis. Last evaluated: 2021-07-10. Review status: criteria provided, single submitter. Criteria: ACMG Guidelines, 2015. Collection method: clinical testing. Allele origin: germline. Affected: yes.

Genomic Research Center, Shahid Beheshti University of Medical Sciences
Classification: Pathogenic for Spongy degeneration of central nervous system. Last evaluated: 2020-05-03. Review status: criteria provided, single submitter. Criteria: ACMG Guidelines, 2015. Collection method: clinical testing. Allele origin: unknown. Affected: yes.

Rajaie Cardiovascular, Medical and Research Center, Iran University of Medical Sciences
Classification: Pathogenic for Spongy degeneration of central nervous system. Last evaluated: 2019-12-05. Review status: criteria provided, single submitter. Criteria: ACMG Guidelines, 2015. Collection method: research. Allele origin: inherited. Inheritance: Autosomal recessive inheritance. Affected: yes.

Myelin Disorders Clinic-Children's Medical Center/Medical Genetics Lab-Tarbiat Modares University, Children's Medical Center, Pediatrics Center of Excellence,
Classification: Uncertain significance for Spongy degeneration of central nervous system. Review status: no assertion criteria provided. Collection method: clinical testing. Allele origin: inherited. Inheritance: Autosomal recessive inheritance. Affected: yes. Observed: 1 homozygote. Not counted in ClinVar's aggregate classification.

Literature cited by the submitters: PubMed 33547378 (cited by Natera, Inc.).

NM_000049.4(ASPA):c.437_449del (p.Ser146fs)

Genes: ASPA (aspartoacylase; plus strand), SPATA22 (spermatogenesis associated 22; minus strand). Cytogenetic location: 17p13.2.
Variant type: Deletion.
Coding change: c.437_449del on transcript NM_000049.4 (MANE Select); coding-DNA positions 437 to 449, 13 bases deleted (CTCTGGCTCCACT).
Protein change: p.Ser146fs; shifts the reading frame from serine 146.
Molecular consequence: frameshift variant. On other transcripts: intron variant (2).
Genome position (GRCh38, 1-based): chr17:3,483,503-3,483,515, CTCTGGCTCCACT deleted; deleting any 13 consecutive bases within chr17:3,483,502-3,483,515 gives the same sequence; the c. name uses the placement nearest the transcript's 3' end. VCF-style (leftmost placement, unchanged base first): chr17-3483501-TTCTCTGGCTCCAC-T. GRCh37 (hg19) VCF-style: chr17-3386795-TTCTCTGGCTCCAC-T.
Other names: c.437_449del, p.Ser146fs (NM_001128085.1); c.-73-14116_-73-14104del (NM_001321336.2, NM_001321337.2); c.437_449delCTCTGGCTCCACT (NM_000049.4); short protein forms S146fs.
Identifiers: ClinVar variation 870537 (VCV000870537.31), dbSNP rs2073669074, ClinGen allele CA1139665064.